The following is an entry in ClinVar:

ClinVar aggregate classification (germline): Likely pathogenic (1 of 4 stars; one submission).

Conditions:
NOBOX-related disorder. Also called: NOBOX-related condition.

Submission:

PreventionGenetics, part of Exact Sciences
Classification: Likely pathogenic for NOBOX-related condition. Last evaluated: 2024-11-27. Review status: criteria provided, single submitter. Criteria: ACMG Guidelines, 2015. Collection method: clinical testing. Allele origin: germline.
Comment: The NOBOX c.1797_1798delCT variant is predicted to result in a frameshift and premature protein termination (p.Cys600Phefs*27). To our knowledge, this variant has not been reported in the literature. This variant is reported in 0.0086% of alleles in individuals of European (Non-Finnish) descent in gnomAD. Frameshift variants in NOBOX are expected to be pathogenic. This variant is interpreted as likely pathogenic.

NM_001436401.1(NOBOX):c.1446_1447del (p.Cys483fs)

Gene: NOBOX (NOBOX oogenesis homeobox; minus strand). Cytogenetic location: 7q35.
Variant type: Deletion.
Coding change: c.1446_1447del on transcript NM_001436401.1 (MANE Select); coding-DNA positions 1446 to 1447, 2 bases deleted (CT; older notation c.1446_1447delCT).
Protein change: p.Cys483fs; shifts the reading frame from cysteine 483.
Molecular consequence: frameshift variant.
Genome position (GRCh38, 1-based): chr7:144,397,518-144,397,519, AG deleted on the plus strand (CT on the coding strand, the reverse complement: NOBOX is on the minus strand). VCF-style (leftmost placement, unchanged base first): chr7-144397517-CAG-C. GRCh37 (hg19) VCF-style: chr7-144094610-CAG-C.
Other names: NM_001080413.3:c.1797_1798delCT; c.894_895del, p.Cys299fs (NM_001436402.1); short protein forms C483fs, C299fs.
Identifiers: ClinVar variation 4978283 (VCV004978283.1).